The following is an entry in ClinVar:

ClinVar aggregate classification (germline): Likely pathogenic. Review status: criteria provided, multiple submitters, no conflicts (2 of 4 stars). 2 submissions from 2 submitters: Likely pathogenic (2). Last evaluated 2025-02-15.

Conditions:
Imerslund-Grasbeck syndrome. Also called: ENTEROCYTE COBALAMIN MALABSORPTION; ENTEROCYTE INTRINSIC FACTOR RECEPTOR, DEFECT OF; PERNICIOUS ANEMIA, JUVENILE, DUE TO SELECTIVE INTESTINAL MALABSORPTION OF VITAMIN B12, WITH PROTEINURIA; Megaloblastic anemia due to inborn errors of metabolism; Imerslund-Gräsbeck syndrome. Identifiers: Orphanet 35858, MedGen C4551825, MONDO:0009853.
Imerslund-Grasbeck syndrome type 1 (IGS1). Also called: MEGALOBLASTIC ANEMIA, 1; Megaloblastic anemia 1, Finnish type; Imerslund-Gräsbeck syndrome 1. Identifiers: MedGen C4016819, MONDO:0100156, OMIM 261100.
Proteinuria, chronic benign. Identifiers: MedGen C5394384, MONDO:0030042, OMIM 618884.

gnomAD v4.1: 5 of 1,603,502 alleles (0.00031%); highest among the groups gnomAD compares: African/African-American, 0.0054%; no homozygotes.

Submissions (2):

Labcorp Genetics (formerly Invitae), Labcorp
Classification: Likely pathogenic for Imerslund-Grasbeck syndrome. Last evaluated: 2025-02-15. Review status: criteria provided, single submitter. Criteria: Invitae Variant Classification Sherloc (09022015). Collection method: clinical testing. Allele origin: germline.
Comment: This sequence change affects a donor splice site in intron 54 of the CUBN gene. It is expected to disrupt RNA splicing. Variants that disrupt the donor or acceptor splice site typically lead to a loss of protein function (PMID: 16199547), and loss-of-function variants in CUBN are known to be pathogenic (PMID: 15024727, 22929189, 25349199, 31613795, 34979989). This variant is present in population databases (rs749516313, gnomAD 0.008%). This variant has not been reported in the literature in individuals affected with CUBN-related conditions. ClinVar contains an entry for this variant (Variation ID: 3592168). Algorithms developed to predict the effect of sequence changes on RNA splicing suggest that this variant may disrupt the consensus splice site. In summary, the currently available evidence indicates that the variant is pathogenic, but additional data are needed to prove that conclusively. Therefore, this variant has been classified as Likely Pathogenic.

Fulgent Genetics
Classification: Likely pathogenic for Imerslund-Grasbeck syndrome type 1; Proteinuria, chronic benign. Last evaluated: 2024-02-29. Review status: criteria provided, single submitter. Criteria: ACMG Guidelines, 2015. Collection method: clinical testing. Allele origin: germline.

Literature cited by the submitters: PubMed 16199547 (cited by Labcorp Genetics (formerly Invitae), Labcorp); PubMed 15024727 (cited by Labcorp Genetics (formerly Invitae), Labcorp); PubMed 22929189 (cited by Labcorp Genetics (formerly Invitae), Labcorp); PubMed 25349199 (cited by Labcorp Genetics (formerly Invitae), Labcorp); PubMed 31613795 (cited by Labcorp Genetics (formerly Invitae), Labcorp); PubMed 34979989 (cited by Labcorp Genetics (formerly Invitae), Labcorp).

NM_001081.4(CUBN):c.8598+1G>T

Gene: CUBN (cubilin; minus strand). Cytogenetic location: 10p13.
Variant type: single nucleotide variant.
Coding change: c.8598+1G>T on transcript NM_001081.4 (MANE Select); the canonical splice donor site of the intron after coding-DNA position 8598, G replaced by T.
Molecular consequence: splice donor variant.
Genome position (GRCh38, 1-based): chr10:16,898,995, C>A on the plus strand (G>T on the coding strand, the complement: CUBN is on the minus strand). VCF-style: chr10-16898995-C-A. GRCh37 (hg19) VCF-style: chr10-16940994-C-A.
Identifiers: ClinVar variation 3592168 (VCV003592168.2).